The following is an entry in ClinVar:

ClinVar aggregate classification (germline): Likely benign (1 of 4 stars; one submission).

Submission:

CeGaT Center for Human Genetics Tuebingen
Classification: Likely benign. Last evaluated: 2025-02-01. Review status: criteria provided, single submitter. Criteria: CeGaT Center For Human Genetics Tuebingen Variant Classification Criteria Version 2. Collection method: clinical testing. Allele origin: germline. Affected: yes. Observed: 1 variant allele.
Comment: NCAPG2: PM2:Supporting, BP4, BP7

NM_017760.7(NCAPG2):c.2421T>G (p.Gly807=)

Gene: NCAPG2 (non-SMC condensin II complex subunit G2; minus strand). Cytogenetic location: 7q36.3.
Variant type: single nucleotide variant.
Coding change: c.2421T>G on transcript NM_017760.7 (MANE Select); coding-DNA position 2421, T replaced by G.
Protein change: p.Gly807=; no amino-acid change (glycine 807 retained).
Molecular consequence: synonymous variant. On other transcripts: non-coding transcript variant (1).
Genome position (GRCh38, 1-based): chr7:158,655,423, A>C on the plus strand (T>G on the coding strand, the complement: NCAPG2 is on the minus strand). VCF-style: chr7-158655423-A-C. GRCh37 (hg19) VCF-style: chr7-158448115-A-C.
Other names: c.2421T>G, p.Gly807= (NM_001281932.2, NM_001281933.2).
Identifiers: ClinVar variation 3772542 (VCV003772542.13).